The following is an entry in ClinVar:

NM_000081.4(LYST):c.9163-3_9163-1dup

Gene: LYST (lysosomal trafficking regulator; minus strand). Cytogenetic location: 1q42.3.
Variant type: Duplication.
Coding change: c.9163-3_9163-1dup on transcript NM_000081.4 (MANE Select); 3 bases into the intron before coding-DNA position 9163 through the canonical splice acceptor site of the intron before coding-DNA position 9163, 3 bases duplicated (TAG; older notation c.9163-3_9163-1dupTAG).
Molecular consequence: splice acceptor variant.
Genome position (GRCh38, 1-based): chr1:235,724,181-235,724,183, CTA duplicated on the plus strand (TAG on the coding strand, the reverse complement: LYST is on the minus strand). VCF-style (leftmost placement, unchanged base first): chr1-235724180-T-TCTA. GRCh37 (hg19) VCF-style: chr1-235887480-T-TCTA.
Other names: c.9163-3_9163-1dup (NM_001301365.1).
Identifiers: ClinVar variation 3668431 (VCV003668431.2).

ClinVar aggregate classification (germline): Uncertain significance (1 of 4 stars; one submission).

Conditions:
Chédiak-Higashi syndrome (CHS). Also called: Chediak-Higashi Syndrome. Identifiers: Orphanet 167, MedGen C0007965, MONDO:0008963, OMIM 214500.

Submission:

Labcorp Genetics (formerly Invitae), Labcorp
Classification: Uncertain significance for Chédiak-Higashi syndrome. Last evaluated: 2025-01-25. Review status: criteria provided, single submitter. Criteria: Invitae Variant Classification Sherloc (09022015). Collection method: clinical testing. Allele origin: germline.
Comment: This sequence change falls in intron 38 of the LYST gene. It does not directly change the encoded amino acid sequence of the LYST protein. This variant is present in population databases (no rsID available, gnomAD 0.0009%). This variant has not been reported in the literature in individuals affected with LYST-related conditions. Experimental studies and prediction algorithms are not available or were not evaluated, and the effect of this variant on mRNA splicing is currently unknown. In summary, the available evidence is currently insufficient to determine the role of this variant in disease. Therefore, it has been classified as a Variant of Uncertain Significance.